The following is an entry in ClinVar:

NM_000179.3(MSH6):c.648A>T (p.Thr216=)

Gene: MSH6 (mutS homolog 6; plus strand). Cytogenetic location: 2p16.3.
Variant type: single nucleotide variant.
Coding change: c.648A>T on transcript NM_000179.3 (MANE Select); coding-DNA position 648, A replaced by T.
Protein change: p.Thr216=; no amino-acid change (threonine 216 retained).
Molecular consequence: synonymous variant. On other transcripts: 5 prime UTR variant (2).
Genome position (GRCh38, 1-based): chr2:47,798,631, A>T. VCF-style: chr2-47798631-A-T. GRCh37 (hg19) VCF-style: chr2-48025770-A-T.
Other names: c.258A>T, p.Thr86= (NM_001281492.2); c.-259A>T (NM_001281493.2, NM_001281494.2).
Identifiers: ClinVar variation 826435 (VCV000826435.8), dbSNP rs915873360, ClinGen allele CA46706522.

ClinVar aggregate classification (germline): Benign/Likely benign. Review status: criteria provided, multiple submitters, no conflicts (2 of 4 stars). 4 submissions from 4 submitters: Benign (1); Likely benign (2). 1 of the submissions does not count toward it. Last evaluated 2024-12-19.

Conditions:
Lynch syndrome 5 (LYNCH5). Also called: Colorectal cancer, hereditary nonpolyposis, type 5; Hereditary non-polyposis colorectal cancer, type 5. Identifiers: Orphanet 144, MedGen C1833477, MONDO:0013710, OMIM 614350. Disease mechanism: loss of function.
Hereditary cancer-predisposing syndrome. Also called: Neoplastic Syndromes, Hereditary; Tumor predisposition; Hereditary neoplastic syndrome; Hereditary Cancer Syndrome. Identifiers: Orphanet 140162, MedGen C0027672, MeSH D009386, MONDO:0015356.
Lynch syndrome. Identifiers: Orphanet 144, MedGen C4552100, MONDO:0005835. Disease mechanism: loss of function.
MSH6-related disorder. Also called: MSH6-related condition; MSH6-Related disorders.

Allele frequency attached by ClinVar (database versions not stated): gnomAD exomes 0.00001; TOPMed 0.00002.
gnomAD v4.1: 6 of 1,611,626 alleles (0.00037%); highest among the groups gnomAD compares: Admixed American, 0.0083%; no homozygotes.

Submissions (4):

Myriad Genetics, Inc.
Classification: Benign for Lynch syndrome 5. Last evaluated: 2024-12-19. Review status: criteria provided, single submitter. Criteria: Myriad Autosomal Dominant, Autosomal Recessive and X-Linked Classification Criteria (2023). Collection method: clinical testing. Allele origin: unknown.
Comment: This variant is considered benign. This variant is a silent/synonymous amino acid change and it is not expected to impact splicing.

All of Us Research Program, National Institutes of Health
Classification: Likely benign for Lynch syndrome. Last evaluated: 2023-05-15. Review status: criteria provided, single submitter. Criteria: ACMG Guidelines, 2015. Collection method: clinical testing. Allele origin: germline. Inheritance: Autosomal dominant inheritance. Observed: 1 variant allele, 1 heterozygote.
Comment: This study involves interpretation of variants in research participants for the purpose of population health screening. Participant phenotype was not available at the time of variant classification. Additional details can be found in publication PMID: 35346344, PMCID: PMC8962531

Ambry Genetics
Classification: Likely benign for Hereditary cancer-predisposing syndrome. Last evaluated: 2017-12-19. Review status: criteria provided, single submitter. Criteria: Ambry Variant Classification Scheme 2023. Collection method: clinical testing. Allele origin: germline.

PreventionGenetics, part of Exact Sciences
Classification: Likely benign for MSH6-related condition. Last evaluated: 2021-02-27. Review status: no assertion criteria provided. Collection method: clinical testing. Allele origin: germline. Not counted in ClinVar's aggregate classification.
Comment: This variant is classified as likely benign based on ACMG/AMP sequence variant interpretation guidelines (Richards et al. 2015 PMID: 25741868, with internal and published modifications).

Literature cited by the submitters: PubMed 16940983 (cited by Ambry Genetics).